The following is an entry in ClinVar:

ClinVar aggregate classification (germline): Conflicting classifications of pathogenicity. Review status: criteria provided, conflicting classifications (1 of 4 stars). 2 submissions from 2 submitters: Likely pathogenic (1); Uncertain significance (1). Last evaluated 2026-03-19.

Conditions:
Cardiovascular phenotype. Identifiers: MedGen CN230736.
Hereditary cancer-predisposing syndrome. Also called: Tumor predisposition; Hereditary Cancer Syndrome; Hereditary neoplastic syndrome; Neoplastic Syndromes, Hereditary. Identifiers: Orphanet 140162, MedGen C0027672, MeSH D009386, MONDO:0015356.

Submissions (2):

Ambry Genetics
Classification: Likely pathogenic for Cardiovascular phenotype; Hereditary cancer-predisposing syndrome. Last evaluated: 2026-03-19. Review status: criteria provided, single submitter. Criteria: Ambry Variant Classification Scheme 2023. Collection method: clinical testing. Allele origin: germline.
Comment: The p.E1873G variant (also known as c.5618A>G), located in coding exon 38 of the NF1 gene, results from an A to G substitution at nucleotide position 5618. The glutamic acid at codon 1873 is replaced by glycine, an amino acid with similar properties. This missense variant is located in a region that has a low rate of benign missense variation (Lek M et al. Nature. 2016 Aug 18;536(7616):285-91; DECIPHER: Database of Chromosomal Imbalance and Phenotype in Humans using Ensembl Resources. Firth H.V. et al. 2009. Am.J.Hum.Genet. 84, 524-533 (DOI)). This amino acid position is highly conserved in available vertebrate species. In addition, this alteration is predicted to be deleterious by in silico analysis. Based on the majority of available evidence to date, this variant is likely to be pathogenic.

GeneDx
Classification: Uncertain significance. Last evaluated: 2022-09-02. Review status: criteria provided, single submitter. Criteria: GeneDx Variant Classification Process June 2021. Collection method: clinical testing. Allele origin: germline. Affected: yes.
Comment: Not observed at significant frequency in large population cohorts (gnomAD); In silico analysis supports that this missense variant has a deleterious effect on protein structure/function; Has not been previously published as pathogenic or benign to our knowledge

NM_001042492.3(NF1):c.5681A>G (p.Glu1894Gly)

Gene: NF1 (neurofibromin 1; plus strand). Cytogenetic location: 17q11.2.
Variant type: single nucleotide variant.
Coding change: c.5681A>G on transcript NM_001042492.3 (MANE Select); coding-DNA position 5681, A replaced by G.
Protein change: p.Glu1894Gly; replaces glutamic acid 1894 with glycine.
Molecular consequence: missense variant.
Genome position (GRCh38, 1-based): chr17:31,330,367, A>G. VCF-style: chr17-31330367-A-G. GRCh37 (hg19) VCF-style: chr17-29657385-A-G.
Other names: c.5618A>G, p.Glu1873Gly (NM_000267.4); short protein forms E1873G, E1894G.
Identifiers: ClinVar variation 2442577 (VCV002442577.2), dbSNP rs2151544595, ClinGen allele CA399010243.